The following is an entry in ClinVar:

ClinVar aggregate classification (germline): Likely benign. Review status: criteria provided, multiple submitters, no conflicts (2 of 4 stars). 2 submissions from 2 submitters: Likely benign (2). Last evaluated 2024-12-17.

Conditions:
Alstrom syndrome (ALMS). Identifiers: Orphanet 64, MedGen C0268425, MONDO:0008763, OMIM 203800.

Allele frequency attached by ClinVar (database versions not stated): gnomAD exomes below 0.00001; ExAC 0.00001; gnomAD 0.00001; TOPMed 0.00001.
gnomAD v4.1: 2 of 1,613,728 alleles (0.00012%); highest among the groups gnomAD compares: Non-Finnish European, 0.00017%; no homozygotes.

Submissions (2):

Labcorp Genetics (formerly Invitae), Labcorp
Classification: Likely benign for Alstrom syndrome. Last evaluated: 2024-12-17. Review status: criteria provided, single submitter. Criteria: Invitae Variant Classification Sherloc (09022015). Collection method: clinical testing. Allele origin: germline.

GeneDx
Classification: Likely benign. Last evaluated: 2017-04-14. Review status: criteria provided, single submitter. Criteria: GeneDx Variant Classification (06012015). Collection method: clinical testing. Allele origin: germline. Affected: yes.
Comment: This variant is considered likely benign or benign based on one or more of the following criteria: it is a conservative change, it occurs at a poorly conserved position in the protein, it is predicted to be benign by multiple in silico algorithms, and/or has population frequency not consistent with disease.

NM_001378454.1(ALMS1):c.2322C>T (p.Tyr774=)

Gene: ALMS1 (ALMS1 centrosome and basal body associated protein; plus strand). Cytogenetic location: 2p13.1.
Variant type: single nucleotide variant.
Coding change: c.2322C>T on transcript NM_001378454.1 (MANE Select); coding-DNA position 2322, C replaced by T.
Protein change: p.Tyr774=; no amino-acid change (tyrosine 774 retained).
Molecular consequence: synonymous variant.
Genome position (GRCh38, 1-based): chr2:73,448,849, C>T. VCF-style: chr2-73448849-C-T. GRCh37 (hg19) VCF-style: chr2-73675976-C-T.
Other names: c.2325C>T, p.Tyr775= (NM_015120.4).
Identifiers: ClinVar variation 508879 (VCV000508879.5), dbSNP rs752503817, ClinGen allele CA1713324.
Genomic context (GRCh38, chr2:73,448,849, plus strand): 5'-TGAGATACCAGCAGTACAGTCTAGTTCTTACTCACAAAGAGAAAAGCCTAGTATTTTGTA[C>T]CCACAGGACTTAGCAGACAGTCATCTACCTGAAGAGGGTCTGAAAGTTTCAGCTGTTGCT-3'
Protein context (NP_001365383.1, residues 764-784): YSQREKPSIL[Tyr774=]PQDLADSHLP